The following is an entry in ClinVar:

ClinVar aggregate classification (germline): Uncertain significance (1 of 4 stars; one submission).

Allele frequency attached by ClinVar (database versions not stated): gnomAD exomes 0.00001; TOPMed 0.00001; gnomAD 0.00003.
gnomAD v4.1: 18 of 1,614,026 alleles (0.0011%); highest among the groups gnomAD compares: Non-Finnish European, 0.0014%; no homozygotes.

Submission:

GeneDx
Classification: Uncertain significance. Last evaluated: 2023-01-23. Review status: criteria provided, single submitter. Criteria: GeneDx Variant Classification Process June 2021. Collection method: clinical testing. Allele origin: germline. Affected: yes.
Comment: In silico analysis supports that this missense variant does not alter protein structure/function; Has not been previously published as pathogenic or benign to our knowledge

NM_182961.4(SYNE1):c.15745A>G (p.Thr5249Ala)

Gene: SYNE1 (spectrin repeat containing nuclear envelope protein 1; minus strand). Cytogenetic location: 6q25.2.
Variant type: single nucleotide variant.
Coding change: c.15745A>G on transcript NM_182961.4 (MANE Select); coding-DNA position 15745, A replaced by G.
Protein change: p.Thr5249Ala; replaces threonine 5249 with alanine.
Molecular consequence: missense variant.
Genome position (GRCh38, 1-based): chr6:152,323,650, T>C on the plus strand (A>G on the coding strand, the complement: SYNE1 is on the minus strand). VCF-style: chr6-152323650-T-C. GRCh37 (hg19) VCF-style: chr6-152644785-T-C.
Other names: c.15532A>G, p.Thr5178Ala (NM_033071.5); short protein forms T5178A, T5249A.
Identifiers: ClinVar variation 2574261 (VCV002574261.1), dbSNP rs1331476799, ClinGen allele CA366090275.
Genomic context (GRCh38, chr6:152,323,650, plus strand): 5'-CCAAGGCCGACTGCTGCTGCTCCAGCTCCAGAACGAACGTGTCGTGGTATTCAAGAAGAG[T>C]TAAGAGCTCTGCTTTCGATGCTTTCTCTGCTGAACTTCCAGGTAACTTATCTTGCAGCTG-3'
Protein context (NP_892006.3, residues 5239-5259): AEKASKAELL[Thr5249Ala]LLEYHDTFVL